The following is an entry in ClinVar:

NM_000051.4(ATM):c.4653_4672dup (p.Thr1558fs)

Gene: ATM (ATM serine/threonine kinase; plus strand). Cytogenetic location: 11q22.3.
Variant type: Duplication.
Coding change: c.4653_4672dup on transcript NM_000051.4 (MANE Select); coding-DNA positions 4653 to 4672, 20 bases duplicated (TAATGAAAACCTCTATATCA).
Protein change: p.Thr1558fs; shifts the reading frame from threonine 1558.
Molecular consequence: frameshift variant.
Genome position (GRCh38, 1-based): chr11:108,293,354-108,293,373, TAATGAAAACCTCTATATCA duplicated; duplicating any 20 consecutive bases within chr11:108,293,353-108,293,373 gives the same sequence; the c. name uses the placement nearest the transcript's 3' end. VCF-style (leftmost placement, unchanged base first): chr11-108293352-G-GATAATGAAAACCTCTATATC. GRCh37 (hg19) VCF-style: chr11-108164079-G-GATAATGAAAACCTCTATATC.
Other names: c.4653_4672dup, p.Thr1558fs (NM_001351834.2); short protein forms T1558fs.
Identifiers: ClinVar variation 858161 (VCV000858161.7), dbSNP rs2082915385, ClinGen allele CA916080475.

ClinVar aggregate classification (germline): Pathogenic (1 of 4 stars; one submission).

Conditions:
Ataxia-telangiectasia syndrome (AT). Also called: Ataxia telangiectasia (A-T); Cerebello-oculocutaneous telangiectasia; Immunodeficiency with ataxia telangiectasia; AT, COMPLEMENTATION GROUP C; ATAXIA-TELANGIECTASIA, COMPLEMENTATION GROUP A; ATAXIA-TELANGIECTASIA, FRESNO VARIANT. Identifiers: Orphanet 100, MedGen C0004135, MONDO:0008840, OMIM 208900.

Submission:

Labcorp Genetics (formerly Invitae), Labcorp
Classification: Pathogenic for Ataxia-telangiectasia syndrome. Last evaluated: 2019-02-24. Review status: criteria provided, single submitter. Criteria: Invitae Variant Classification Sherloc (09022015). Collection method: clinical testing. Allele origin: germline.
Comment: This variant is not present in population databases (ExAC no frequency). This sequence change creates a premature translational stop signal (p.Thr1558Ilefs*12) in the ATM gene. It is expected to result in an absent or disrupted protein product. This variant has not been reported in the literature in individuals with ATM-related conditions. Loss-of-function variants in ATM are known to be pathogenic (PMID: 23807571, 25614872). For these reasons, this variant has been classified as Pathogenic.

Literature cited by the submitters: PubMed 23807571; PubMed 25614872.